The following is an entry in ClinVar:

NM_001267550.2(TTN):c.76577G>A (p.Gly25526Asp)

Genes: TTN (titin; minus strand), TTN-AS1 (TTN antisense RNA 1; plus strand). Cytogenetic location: 2q31.2.
Variant type: single nucleotide variant.
Coding change: c.76577G>A on transcript NM_001267550.2 (MANE Select); coding-DNA position 76577, G replaced by A.
Protein change: p.Gly25526Asp; replaces glycine 25526 with aspartic acid.
Molecular consequence: missense variant.
Genome position (GRCh38, 1-based): chr2:178,569,555, C>T on the plus strand (G>A on the coding strand, the complement: TTN is on the minus strand). VCF-style: chr2-178569555-C-T. GRCh37 (hg19) VCF-style: chr2-179434282-C-T.
Other names: c.71654G>A, p.Gly23885Asp (NM_001256850.1); c.49382G>A, p.Gly16461Asp (NM_003319.4); c.68873G>A, p.Gly22958Asp (NM_133378.4); c.49757G>A, p.Gly16586Asp (NM_133432.3); c.49958G>A, p.Gly16653Asp (NM_133437.4); short protein forms G25526D, G16586D, G23885D, G16461D, G16653D, G22958D.
Identifiers: ClinVar variation 535035 (VCV000535035.9), dbSNP rs369344156, ClinGen allele CA1989892.

ClinVar aggregate classification (germline): Uncertain significance. Review status: criteria provided, multiple submitters, no conflicts (2 of 4 stars). 3 submissions from 3 submitters: Uncertain significance (3). Last evaluated 2026-01-01.

Conditions:
Dilated cardiomyopathy 1G (CMD1G). Identifiers: Orphanet 154, MedGen C1858763, MONDO:0011400, OMIM 604145.
Autosomal recessive limb-girdle muscular dystrophy type 2J (LGMDR10). Also called: Limb-girdle muscular dystrophy, type 2J; MUSCULAR DYSTROPHY, LIMB-GIRDLE, AUTOSOMAL RECESSIVE 10. Identifiers: Orphanet 140922, MedGen C1837342, MONDO:0012127, OMIM 608807.

Allele frequency attached by ClinVar (database versions not stated): ExAC 0.00001; gnomAD 0.00001; TOPMed 0.00002; ESP Exome Variant Server 0.00008.
gnomAD v4.1: 31 of 1,612,802 alleles (0.0019%); highest among the groups gnomAD compares: Non-Finnish European, 0.0023%; no homozygotes.

Submissions (3):

CeGaT Center for Human Genetics Tuebingen
Classification: Uncertain significance. Last evaluated: 2026-01-01. Review status: criteria provided, single submitter. Criteria: CeGaT Center For Human Genetics Tuebingen Variant Classification Criteria Version 2. Collection method: clinical testing. Allele origin: germline. Affected: yes. Observed: 1 variant allele.
Comment: TTN: PM2

Revvity Omics, Revvity
Classification: Uncertain significance. Last evaluated: 2022-06-07. Review status: criteria provided, single submitter. Criteria: ACMG Guidelines, 2015. Collection method: clinical testing. Allele origin: germline.

Labcorp Genetics (formerly Invitae), Labcorp
Classification: Uncertain significance for Dilated cardiomyopathy 1G; Autosomal recessive limb-girdle muscular dystrophy type 2J. Last evaluated: 2017-11-07. Review status: criteria provided, single submitter. Criteria: Invitae Variant Classification Sherloc (09022015). Collection method: clinical testing. Allele origin: germline.
Comment: This sequence change replaces glycine with aspartic acid at codon 25526 of the TTN protein (p.Gly25526Asp). There is a moderate physicochemical difference between glycine and aspartic acid. This variant is present in population databases (rs369344156, ExAC 0.002%). This variant has not been reported in the literature in individuals with TTN-related disease. This variant identified in the TTN gene is located in the A band of the resulting protein (PMID: 25589632). It is unclear how this variant impacts the function of this protein. Algorithms developed to predict the effect of sequence changes on RNA splicing suggest that this variant may create or strengthen a splice site, but this prediction has not been confirmed by published transcriptional studies. Algorithms developed to predict the effect of missense changes on protein structure and function are unavailable for the TTN gene. In summary, the available evidence is currently insufficient to determine the role of this variant in disease. Therefore, it has been classified as a Variant of Uncertain Significance.

Literature cited by the submitters: PubMed 25589632 (cited by Labcorp Genetics (formerly Invitae), Labcorp).